The following is an entry in ClinVar:

ClinVar aggregate classification (germline): Benign. Review status: criteria provided, single submitter (1 of 4 stars). 2 submissions from 1 submitter: Benign (2). Last evaluated 2018-01-13.

Conditions:
Atrichia with papular lesions (APL). Also called: PAPULAR ATRICHIA. Identifiers: Orphanet 86819, MedGen C1859592, MONDO:0008847, OMIM 209500.
Alopecia universalis congenita (ALUNC). Also called: ATRICHIA, GENERALIZED. Identifiers: Orphanet 701, MedGen C1859877, MONDO:0008757, OMIM 203655.

Allele frequency attached by ClinVar (database versions not stated): TOPMed 0.00076; 1000 Genomes Project 30x 0.00187; 1000 Genomes Project 0.00240.

Submissions (2):

Illumina Laboratory Services, Illumina
Classification: Benign for Alopecia universalis congenita. Last evaluated: 2018-01-13. Review status: criteria provided, single submitter. Criteria: ICSL Variant Classification Criteria 13 December 2019. Collection method: clinical testing. Allele origin: germline.
Comment: This variant was observed in the ICSL laboratory as part of a predisposition screen in an ostensibly healthy population. It had not been previously curated by ICSL or reported in the Human Gene Mutation Database (HGMD: prior to June 1st, 2018), and was therefore a candidate for classification through an automated scoring system. Utilizing variant allele frequency, disease prevalence and penetrance estimates, and inheritance mode, an automated score was calculated to assess if this variant is too frequent to cause the disease. Based on the score and internal cut-off values, a variant classified as benign is not then subjected to further curation. The score for this variant resulted in a classification of benign for this disease.

Illumina Laboratory Services, Illumina
Classification: Benign for Atrichia with papular lesions. Last evaluated: 2018-01-13. Review status: criteria provided, single submitter. Criteria: ICSL Variant Classification Criteria 13 December 2019. Collection method: clinical testing. Allele origin: germline.
Comment: the same text as in the submission from Illumina Laboratory Services, Illumina above.

NM_005144.5(HR):c.1858C>G (p.Arg620Gly)

Gene: HR (HR lysine demethylase and nuclear receptor corepressor; minus strand). Cytogenetic location: 8p21.3.
Variant type: single nucleotide variant.
Coding change: c.1858C>G on transcript NM_005144.5 (MANE Select); coding-DNA position 1858, C replaced by G.
Protein change: p.Arg620Gly; replaces arginine 620 with glycine.
Molecular consequence: missense variant.
Genome position (GRCh38, 1-based): chr8:22,123,706, G>C on the plus strand (C>G on the coding strand, the complement: HR is on the minus strand). VCF-style: chr8-22123706-G-C. GRCh37 (hg19) VCF-style: chr8-21981219-G-C.
Other names: c.1858C>G, p.Arg620Gly (NM_018411.4); short protein forms R620G.
Identifiers: ClinVar variation 362508 (VCV000362508.5), dbSNP rs200843097, ClinGen allele CA4662332.
Genomic context (GRCh38, chr8:22,123,706, plus strand): 5'-TACCTGCTTTCTCCCTGGCCCGCCCAGTGCCTGCCACACGACCACAGGCCACACACAGCC[G>C]GTGGCTGCAGCGGGGACATCGCCAGTGGGTGTTGAAGAGTCCATGGTGGCAACGGCTGCA-3'
Protein context (NP_005135.2, residues 610-630): THWRCPRCSH[Arg620Gly]LCVACGRVAG